The following is an entry in ClinVar:

NM_006389.5(HYOU1):c.1483A>G (p.Ile495Val)

Gene: HYOU1 (hypoxia up-regulated 1; minus strand). Cytogenetic location: 11q23.3.
Variant type: single nucleotide variant.
Coding change: c.1483A>G on transcript NM_006389.5 (MANE Select); coding-DNA position 1483, A replaced by G.
Protein change: p.Ile495Val; replaces isoleucine 495 with valine.
Molecular consequence: missense variant.
Genome position (GRCh38, 1-based): chr11:119,051,481, T>C on the plus strand (A>G on the coding strand, the complement: HYOU1 is on the minus strand). VCF-style: chr11-119051481-T-C. GRCh37 (hg19) VCF-style: chr11-118922193-T-C.
Other names: c.1483A>G, p.Ile495Val (NM_001130991.3, NM_001411041.1); short protein forms I495V.
Identifiers: ClinVar variation 3007917 (VCV003007917.3), dbSNP rs1944436202, ClinGen allele CA382937357.

ClinVar aggregate classification (germline): Uncertain significance (1 of 4 stars; one submission).

Allele frequency attached by ClinVar (database versions not stated): gnomAD exomes below 0.00001; TOPMed below 0.00001.
gnomAD v4.1: 1 of 1,614,042 alleles (0.000062%); highest among the groups gnomAD compares: East Asian, 0.0022%; no homozygotes.

Submission:

Labcorp Genetics (formerly Invitae), Labcorp
Classification: Uncertain significance. Last evaluated: 2023-07-14. Review status: criteria provided, single submitter. Criteria: Invitae Variant Classification Sherloc (09022015). Collection method: clinical testing. Allele origin: germline.
Comment: In summary, the available evidence is currently insufficient to determine the role of this variant in disease. Therefore, it has been classified as a Variant of Uncertain Significance. Algorithms developed to predict the effect of missense changes on protein structure and function output the following: SIFT: "Not Available"; PolyPhen-2: "Benign"; Align-GVGD: "Not Available". The valine amino acid residue is found in multiple mammalian species, which suggests that this missense change does not adversely affect protein function. This variant has not been reported in the literature in individuals affected with HYOU1-related conditions. This variant is not present in population databases (gnomAD no frequency). This sequence change replaces isoleucine, which is neutral and non-polar, with valine, which is neutral and non-polar, at codon 495 of the HYOU1 protein (p.Ile495Val).